The following is an entry in ClinVar:

ClinVar aggregate classification (germline): Uncertain significance (1 of 4 stars; one submission).

Conditions:
Long QT syndrome (LQTS). Identifiers: MedGen C0023976, MeSH D008133, MONDO:0002442. Disease mechanism: loss of function. Inheritance: Various modes of inheritance.

Submission:

Labcorp Genetics (formerly Invitae), Labcorp
Classification: Uncertain significance for Long QT syndrome. Last evaluated: 2024-12-30. Review status: criteria provided, single submitter. Criteria: Invitae Variant Classification Sherloc (09022015). Collection method: clinical testing. Allele origin: germline.
Comment: This sequence change replaces glutamine, which is neutral and polar, with proline, which is neutral and non-polar, at codon 1862 of the CACNA1C protein (p.Gln1862Pro). This variant is not present in population databases (gnomAD no frequency). This variant has not been reported in the literature in individuals affected with CACNA1C-related conditions. Invitae Evidence Modeling of protein sequence and biophysical properties (such as structural, functional, and spatial information, amino acid conservation, physicochemical variation, residue mobility, and thermodynamic stability) indicates that this missense variant is not expected to disrupt CACNA1C protein function with a negative predictive value of 95%. In summary, the available evidence is currently insufficient to determine the role of this variant in disease. Therefore, it has been classified as a Variant of Uncertain Significance.

NM_000719.7(CACNA1C):c.5585A>C (p.Gln1862Pro)

Genes: CACNA1C (calcium voltage-gated channel subunit alpha1 C; plus strand), CACNA1C-AS1 (CACNA1C antisense RNA 1; minus strand). Cytogenetic location: 12p13.33.
Variant type: single nucleotide variant.
Coding change: c.5585A>C on transcript NM_000719.7 (MANE Select); coding-DNA position 5585, A replaced by C.
Protein change: p.Gln1862Pro; replaces glutamine 1862 with proline.
Molecular consequence: missense variant.
Genome position (GRCh38, 1-based): chr12:2,685,747, A>C. VCF-style: chr12-2685747-A-C. GRCh37 (hg19) VCF-style: chr12-2794913-A-C.
Other names: c.5642A>C, p.Gln1881Pro (NM_001129833.2, NM_001129834.2, NM_001129835.2); c.5636A>C, p.Gln1879Pro (NM_001129836.2); c.5609A>C, p.Gln1870Pro (NM_001129837.2, NM_001129838.2); c.5603A>C, p.Gln1868Pro (NM_001129839.2); c.5585A>C, p.Gln1862Pro (NM_001129840.2, NM_001129841.2, NM_001129842.2 and 2 more transcripts); c.5729A>C, p.Gln1910Pro (NM_001129827.2); c.5708A>C, p.Gln1903Pro (NM_001129829.2); c.5690A>C, p.Gln1897Pro (NM_001129830.3, NM_001167624.3); and 6 more; short protein forms Q1859P, Q1870P, Q1882P, Q1922P, Q1851P, Q1897P, Q1868P, Q1881P.
Identifiers: ClinVar variation 3673623 (VCV003673623.2).